The following is an entry in ClinVar:

NM_170741.4(KCNJ16):c.749C>T (p.Pro250Leu)

Gene: KCNJ16 (potassium inwardly rectifying channel subfamily J member 16; plus strand). Cytogenetic location: 17q24.3.
Variant type: single nucleotide variant.
Coding change: c.749C>T on transcript NM_170741.4 (MANE Select); coding-DNA position 749, C replaced by T.
Protein change: p.Pro250Leu; replaces proline 250 with leucine.
Molecular consequence: missense variant.
Genome position (GRCh38, 1-based): chr17:70,132,836, C>T. VCF-style: chr17-70132836-C-T. GRCh37 (hg19) VCF-style: chr17-68128977-C-T.
Other names: P250L; c.749C>T, p.Pro250Leu (NM_001270422.2, NM_001291622.3, NM_001291623.2 and 4 more transcripts); c.854C>T (NM_170741.2).
Identifiers: ClinVar variation 1174519 (VCV001174519.3), dbSNP rs138520154, ClinGen allele CA8738567.

ClinVar aggregate classification (germline): Likely pathogenic. Review status: criteria provided, multiple submitters, no conflicts (2 of 4 stars). 3 submissions from 3 submitters: Likely pathogenic (2). 1 of the submissions does not count toward it. Last evaluated 2026-02-07.

Conditions:
KCNJ16-related disorder. Also called: KCNJ16-related condition.
Hypokalemic tubulopathy and deafness. Identifiers: MedGen C5543621, MONDO:0859167, OMIM 619406.

Allele frequency attached by ClinVar (database versions not stated): ExAC 0.00063; gnomAD exomes 0.00063 and 0.00059; ESP Exome Variant Server 0.00069; 1000 Genomes Project 30x 0.00016; 1000 Genomes Project 0.00020; gnomAD 0.00034 and 0.00036; TOPMed 0.00037.

Submissions (3):

PreventionGenetics, part of Exact Sciences
Classification: Likely pathogenic for KCNJ16-related condition. Last evaluated: 2026-02-07. Review status: criteria provided, single submitter. Criteria: ACMG Guidelines, 2015. Collection method: clinical testing. Allele origin: germline.
Comment: The KCNJ16 c.854C>T variant is predicted to result in the amino acid substitution p.Pro285Leu. This variant is also referred to as c.749C>T (p.Pro250Leu). This variant was reported in the compound heterozygous state in an individual with mild hypokalaemic tubulopathy & sensorineural deafness with onset in adulthood (Schlingmann et al. 2021. PubMed ID: 33811157). This variant is located in the C terminus of the KCNJ16 protein and functional studies found that when this variant is expressed along with a different pathogenic variant in KCNJ16, protein expression decreased (Schlingmann et al. 2021. PubMed ID: 33811157). This variant is reported in 0.13% of alleles in individuals of European (Finnish) descent in gnomAD v2 (as displayed in the table above). However, in gnomAD v4 (available only on GRC38), this variant is reported in 0.12% of a subpopulation, including 2 homozygotes. This variant is interpreted as likely pathogenic.

First Genomix Gene Laboratory, Genetic Diagnostics Department
Classification: Likely pathogenic for Hypokalemic tubulopathy and deafness. Last evaluated: 2025-07-29. Review status: criteria provided, single submitter. Criteria: ACMG Guidelines, 2015. Collection method: clinical testing. Allele origin: germline. Inheritance: Autosomal recessive inheritance. Affected: no. Observed: 1 variant allele.

OMIM
Classification: Pathogenic for HYPOKALEMIC TUBULOPATHY AND DEAFNESS. Last evaluated: 2021-06-28. Review status: no assertion criteria provided. Collection method: literature only. Allele origin: germline. Not counted in ClinVar's aggregate classification.

Literature cited by the submitters: PubMed 33811157 (cited by OMIM).